The following is an entry in ClinVar:

NM_001353214.3(DYM):c.2017A>G (p.Arg673Gly)

Gene: DYM (dymeclin; minus strand). Cytogenetic location: 18q21.1.
Variant type: single nucleotide variant.
Coding change: c.2017A>G on transcript NM_001353214.3 (MANE Select); coding-DNA position 2017, A replaced by G.
Protein change: p.Arg673Gly; replaces arginine 673 with glycine.
Molecular consequence: missense variant. On other transcripts: intron variant (3).
Genome position (GRCh38, 1-based): chr18:49,097,410, T>C on the plus strand (A>G on the coding strand, the complement: DYM is on the minus strand). VCF-style: chr18-49097410-T-C. GRCh37 (hg19) VCF-style: chr18-46623780-T-C.
Other names: c.1849A>G, p.Arg617Gly (NM_001353210.3, NM_001353211.3); c.2014A>G, p.Arg672Gly (NM_001353212.3, NM_001353213.3); c.1834A>G, p.Arg612Gly (NM_001353215.3); c.1669A>G, p.Arg557Gly (NM_001353216.3, NM_001374437.1); c.2017A>G, p.Arg673Gly (NM_001374428.1, NM_001374430.1); c.2011A>G, p.Arg671Gly (NM_001374429.1); c.1891A>G, p.Arg631Gly (NM_001374432.1); c.1852A>G, p.Arg618Gly (NM_001374433.1, NM_017653.6); and 12 more; short protein forms R427G, R557G, R576G, R631G, R673G, R483G, R617G, R672G.
Identifiers: ClinVar variation 2176352 (VCV002176352.4), dbSNP rs142608802, ClinGen allele CA8957938.

ClinVar aggregate classification (germline): Uncertain significance. Review status: criteria provided, multiple submitters, no conflicts (2 of 4 stars). 3 submissions from 3 submitters: Uncertain significance (3). Last evaluated 2025-11-10.

Conditions:
Inborn genetic diseases. Identifiers: MedGen C0950123, MeSH D030342.

Allele frequency attached by ClinVar (database versions not stated): ExAC 0.00027; gnomAD 0.00029; TOPMed 0.00030; gnomAD exomes 0.00032; ESP Exome Variant Server 0.00054.
gnomAD v4.1: 508 of 1,613,838 alleles (0.031%); highest among the groups gnomAD compares: Non-Finnish European, 0.041%; no homozygotes.

Submissions (3):

Labcorp Genetics (formerly Invitae), Labcorp
Classification: Uncertain significance. Last evaluated: 2025-11-10. Review status: criteria provided, single submitter. Criteria: Invitae Variant Classification Sherloc (09022015). Collection method: clinical testing. Allele origin: germline.
Comment: This sequence change replaces arginine, which is basic and polar, with glycine, which is neutral and non-polar, at codon 618 of the DYM protein (p.Arg618Gly). This variant is present in population databases (rs142608802, gnomAD 0.04%). This variant has not been reported in the literature in individuals affected with DYM-related conditions. ClinVar contains an entry for this variant (Variation ID: 2176352). Invitae Evidence Modeling of protein sequence and biophysical properties (such as structural, functional, and spatial information, amino acid conservation, physicochemical variation, residue mobility, and thermodynamic stability) indicates that this missense variant is not expected to disrupt DYM protein function with a negative predictive value of 80%. In summary, the available evidence is currently insufficient to determine the role of this variant in disease. Therefore, it has been classified as a Variant of Uncertain Significance.

Blueprint Genetics
Classification: Uncertain significance. Last evaluated: 2024-08-26. Review status: criteria provided, single submitter. Criteria: ACMG Guidelines, 2015. Collection method: clinical testing. Allele origin: germline.

Ambry Genetics
Classification: Uncertain significance for Inborn genetic diseases. Last evaluated: 2022-09-08. Review status: criteria provided, single submitter. Criteria: Ambry Variant Classification Scheme 2023. Collection method: clinical testing. Allele origin: germline.